The following is an entry in ClinVar:

ClinVar aggregate classification (germline): Conflicting classifications of pathogenicity. Review status: criteria provided, conflicting classifications (1 of 4 stars). 4 submissions from 4 submitters: Uncertain significance (2); Likely benign (2). Last evaluated 2026-03-27.

Conditions:
MYH6-related disorder. Also called: MYH6-Related Disorders; MYH6-related condition.
Hypertrophic cardiomyopathy 14. Identifiers: MedGen C2750467, MONDO:0013197, OMIM 613251.
Cardiovascular phenotype. Identifiers: MedGen CN230736.

Allele frequency attached by ClinVar (database versions not stated): gnomAD 0.00001 and 0.00005; TOPMed 0.00002; gnomAD exomes 0.00006 and 0.00014; ExAC 0.00015; 1000 Genomes Project 30x 0.00062; 1000 Genomes Project 0.00080.
gnomAD v4.1: 95 of 1,614,200 alleles (0.0059%); highest among the groups gnomAD compares: South Asian, 0.081%; no homozygotes.

Submissions (4):

PreventionGenetics, part of Exact Sciences
Classification: Uncertain significance for MYH6-related condition. Last evaluated: 2026-03-27. Review status: criteria provided, single submitter. Criteria: ACMG Guidelines, 2015. Collection method: clinical testing. Allele origin: germline.
Comment: The MYH6 c.5020G>A variant is predicted to result in the amino acid substitution p.Ala1674Thr. This variant was reported in the compound heterozygous state in an individual with hydrocephalus (supplementary data, Jin et al. 2020. PubMed ID: 33077954). This variant was also identified in a large cohort of individuals with coarctation of the aorta, and in a large cohort of individuals with cardiac phenotypes (supplementary data, Zhu et al. 2022. PubMed ID: 35456442; supplementary data, Guelly et al. 2021. PubMed ID: 33552729). However, this variant is reported in 0.092% of alleles in individuals of East Asian descent in gnomAD, which may be too frequent to be a primary cause of disease. Although we suspect that this variant may be benign, at this time, the clinical significance of this variant is uncertain due to the absence of conclusive functional and genetic evidence.

Labcorp Genetics (formerly Invitae), Labcorp
Classification: Likely benign for Hypertrophic cardiomyopathy 14. Last evaluated: 2026-01-14. Review status: criteria provided, single submitter. Criteria: Invitae Variant Classification Sherloc (09022015). Collection method: clinical testing. Allele origin: germline.

Blueprint Genetics
Classification: Likely benign. Last evaluated: 2024-11-07. Review status: criteria provided, single submitter. Criteria: ACMG Guidelines, 2015. Collection method: clinical testing. Allele origin: germline.

Ambry Genetics
Classification: Uncertain significance for Cardiovascular phenotype. Last evaluated: 2024-02-01. Review status: criteria provided, single submitter. Criteria: Ambry Variant Classification Scheme 2023. Collection method: clinical testing. Allele origin: germline.
Comment: The p.A1674T variant (also known as c.5020G>A), located in coding exon 32 of the MYH6 gene, results from a G to A substitution at nucleotide position 5020. The alanine at codon 1674 is replaced by threonine, an amino acid with similar properties. This alteration has been reported in a hydrocephalus cohort and a left ventricular outflow tract obstruction cohort (Jin SC et al. Nat Med, 2020 Nov;26:1754-1765; Zhu W et al. Genes (Basel), 2022 Apr;13:). This variant was also reported in a congenital heart disease, dilated cardiomyopathy and idiopathic ventricular tachycardia cohort (Guelly C et al. PeerJ, 2021 Jan;9:e10711). This amino acid position is highly conserved in available vertebrate species. In addition, the in silico prediction for this alteration is inconclusive. Based on the available evidence, the clinical significance of this alteration remains unclear.

Literature cited by the submitters: PubMed 33077954 (cited by Ambry Genetics); PubMed 33552729 (cited by Ambry Genetics); PubMed 35456442 (cited by Ambry Genetics).

NM_002471.4(MYH6):c.5020G>A (p.Ala1674Thr)

Genes: MYH6 (myosin heavy chain 6; minus strand), LOC126861896 (BRD4-independent group 4 enhancer GRCh37_chr14:23854904-23856103; plus strand). Cytogenetic location: 14q11.2.
Variant type: single nucleotide variant.
Coding change: c.5020G>A on transcript NM_002471.4 (MANE Select); coding-DNA position 5020, G replaced by A.
Protein change: p.Ala1674Thr; replaces alanine 1674 with threonine.
Molecular consequence: missense variant.
Genome position (GRCh38, 1-based): chr14:23,386,071, C>T on the plus strand (G>A on the coding strand, the complement: MYH6 is on the minus strand). VCF-style: chr14-23386071-C-T. GRCh37 (hg19) VCF-style: chr14-23855280-C-T.
Other names: c.5020G>A (NM_002471.3); short protein forms A1674T.
Identifiers: ClinVar variation 1421998 (VCV001421998.11), dbSNP rs534560839, ClinGen allele CA7114568.
Genomic context (GRCh38, chr14:23,386,071, plus strand): 5'-CCACGGCACGCAGCTCCTCCAGCTCAGCCTGCAGCAGGTTGTTGCGCCGCTCCACGATGG[C>T]GATGTTCTCCTTCAGGTCGTCGTTGGCACGGACCGCATCGTCCAGCTGGATCTGGGTGTC-3'
Protein context (NP_002462.2, residues 1664-1684): RANDDLKENI[Ala1674Thr]IVERRNNLLQ